The following is an entry in ClinVar:

NM_020971.3(SPTBN4):c.3710C>G (p.Ala1237Gly)

Gene: SPTBN4 (spectrin beta, non-erythrocytic 4; plus strand). Cytogenetic location: 19q13.2.
Variant type: single nucleotide variant.
Coding change: c.3710C>G on transcript NM_020971.3 (MANE Select); coding-DNA position 3710, C replaced by G.
Protein change: p.Ala1237Gly; replaces alanine 1237 with glycine.
Molecular consequence: missense variant.
Genome position (GRCh38, 1-based): chr19:40,523,492, C>G. VCF-style: chr19-40523492-C-G. GRCh37 (hg19) VCF-style: chr19-41029399-C-G.
Other names: short protein forms A1237G.
Identifiers: ClinVar variation 873519 (VCV000873519.4), dbSNP rs148009574, ClinGen allele CA405917734.

ClinVar aggregate classification (germline): Uncertain significance (1 of 4 stars; one submission).

Conditions:
SPTBN4-related neurodevelopmental disorder.

gnomAD v4.1: 2 of 1,613,668 alleles (0.00012%); highest among the groups gnomAD compares: Non-Finnish European, 0.00017%; no homozygotes.

Submission:

Illumina Laboratory Services, Illumina
Classification: Uncertain significance for SPTBN4-related neurodevelopmental disorder. Last evaluated: 2020-01-14. Review status: criteria provided, single submitter. Criteria: ICSLVariantClassificationCriteria RUGD 01 April 2020. Collection method: clinical testing. Allele origin: unknown.
Comment: The SPTBN4 c.3710C>G (p.Ala1237Gly) variant is a missense variant. A literature search was performed for the gene, cDNA change, and amino acid change. No publications were found based on this search. This variant is not found in the Genome Aggregation Database in a region of good sequencing coverage so the variant is presumed to be rare. Based on the limited evidence, the p.Ala1237Gly variant is classified as a variant of unknown significance for SPTBN4-related neurodevelopmental disorder.